The following is an entry in ClinVar:

NM_014141.6(CNTNAP2):c.1083G>A (p.Val361=)

Gene: CNTNAP2 (contactin associated protein 2; plus strand). Cytogenetic location: 7q35.
Variant type: single nucleotide variant.
Coding change: c.1083G>A on transcript NM_014141.6 (MANE Select); coding-DNA position 1083, G replaced by A.
Protein change: p.Val361=; no amino-acid change (valine 361 retained).
Molecular consequence: synonymous variant.
Genome position (GRCh38, 1-based): chr7:147,128,836, G>A. VCF-style: chr7-147128836-G-A. GRCh37 (hg19) VCF-style: chr7-146825928-G-A.
Other names: p.V361V:GTG>GTA.
Identifiers: ClinVar variation 95554 (VCV000095554.57), dbSNP rs139180845, ClinGen allele CA285677.

ClinVar aggregate classification (germline): Conflicting classifications of pathogenicity. Review status: criteria provided, conflicting classifications (1 of 4 stars). 10 submissions from 10 submitters: Uncertain significance (1); Benign (3); Likely benign (5). 1 of the submissions does not count toward it. Last evaluated 2026-09-01.

Conditions:
CNTNAP2-related disorder. Also called: CNTNAP2-related condition.
Inborn genetic diseases. Identifiers: MedGen C0950123, MeSH D030342.
Cortical dysplasia-focal epilepsy syndrome (PTHSL1). Also called: Pitt-Hopkins-like syndrome 1. Identifiers: Orphanet 163681, Orphanet 221150, MedGen C2750246, MONDO:0012400, OMIM 610042.

Allele frequency attached by ClinVar (database versions not stated): gnomAD 0.00269 and 0.00268; gnomAD exomes 0.00280 and 0.00393; ExAC 0.00339; 1000 Genomes Project 0.00140; 1000 Genomes Project 30x 0.00187; TOPMed 0.00209; ESP Exome Variant Server 0.00438.
gnomAD v4.1: 6,037 of 1,613,786 alleles (0.37%); highest among the groups gnomAD compares: Non-Finnish European, 0.46%; 23 homozygotes.

Submissions (12):

CeGaT Center for Human Genetics Tuebingen
Classification: Likely benign. Last evaluated: 2026-09-01. Review status: criteria provided, single submitter. Criteria: CeGaT Center For Human Genetics Tuebingen Variant Classification Criteria Version 2. Collection method: clinical testing. Allele origin: germline. Affected: yes. Observed: 17 variant alleles.
Comment: CNTNAP2: BS2

Labcorp Genetics (formerly Invitae), Labcorp
Classification: Likely benign for Cortical dysplasia-focal epilepsy syndrome. Last evaluated: 2026-02-03. Review status: criteria provided, single submitter. Criteria: Invitae Variant Classification Sherloc (09022015). Collection method: clinical testing. Allele origin: germline.

Ambry Genetics
Classification: Likely benign for Inborn genetic diseases. Last evaluated: 2025-02-20. Review status: criteria provided, single submitter. Criteria: Ambry Variant Classification Scheme 2023. Collection method: clinical testing. Allele origin: germline.

Mendelics
Classification: Benign for Cortical dysplasia-focal epilepsy syndrome. Last evaluated: 2019-05-28. Review status: criteria provided, single submitter. Criteria: Mendelics Assertion Criteria 2017. Collection method: clinical testing. Allele origin: unknown.

GeneDx
Classification: Likely benign. Last evaluated: 2017-10-20. Review status: criteria provided, single submitter. Criteria: GeneDx Variant Classification (06012015). Collection method: clinical testing. Allele origin: germline. Affected: yes.
Comment: This variant is considered likely benign or benign based on one or more of the following criteria: it is a conservative change, it occurs at a poorly conserved position in the protein, it is predicted to be benign by multiple in silico algorithms, and/or has population frequency not consistent with disease.

Illumina Laboratory Services, Illumina
Classification: Uncertain significance for Cortical dysplasia-focal epilepsy syndrome. Last evaluated: 2017-04-27. Review status: criteria provided, single submitter. Criteria: ICSL Variant Classification Criteria 13 December 2019. Collection method: clinical testing. Allele origin: germline.
Comment: This variant was observed as part of a predisposition screen in an ostensibly healthy population. A literature search was performed for the gene, cDNA change, and amino acid change (where applicable). Publications were found based on this search. However, the evidence from the literature, in combination with allele frequency data from public databases where available, was not sufficient to rule this variant in or out of causing disease. Therefore, this variant is classified as a variant of unknown significance.

Center for Pediatric Genomic Medicine, Children's Mercy Hospital and Clinics
Classification: Likely benign. Last evaluated: 2016-04-11. Review status: criteria provided, single submitter. Criteria: ACMG Guidelines, 2015. Collection method: clinical testing. Allele origin: germline.
ClinVar note: Converted during submission from Likely Benign to Likely benign.

Genetic Services Laboratory, University of Chicago
Classification: Benign. Last evaluated: 2015-02-23. Review status: criteria provided, single submitter. Criteria: ACMG Guidelines, 2015. Collection method: clinical testing. Allele origin: germline.

Eurofins Ntd Llc (ga)
Classification: Benign. Last evaluated: 2013-07-17. Review status: criteria provided, single submitter. Criteria: EGL Classification Definitions 2015. Collection method: clinical testing. Allele origin: germline. Observed: 3 variant alleles, 3 heterozygotes.

PreventionGenetics, part of Exact Sciences
Classification: Likely benign for CNTNAP2-related condition. Last evaluated: 2020-01-17. Review status: no assertion criteria provided. Collection method: clinical testing. Allele origin: germline. Not counted in ClinVar's aggregate classification.
Comment: This variant is classified as likely benign based on ACMG/AMP sequence variant interpretation guidelines (Richards et al. 2015 PMID: 25741868, with internal and published modifications).

Dr. Peter K. Rogan Lab, Western University
No classification provided (evidence only). Condition: Lung cancer. Review status: no classification provided. Collection method: in vitro. Allele origin: not applicable. Functional consequence: retained intron. Not counted in ClinVar's aggregate classification.

Dr. Peter K. Rogan Lab, Western University
No classification provided (evidence only). Condition: Melanoma. Review status: no classification provided. Collection method: in vitro. Allele origin: not applicable. Functional consequence: retained intron. Not counted in ClinVar's aggregate classification.

Literature cited by the submitters: PubMed 21827697 (cited by Illumina Laboratory Services, Illumina).